The following is an entry in ClinVar:

NM_002979.5(SCP2):c.1375T>A (p.Phe459Ile)

Gene: SCP2 (sterol carrier protein 2; plus strand). Cytogenetic location: 1p32.3.
Variant type: single nucleotide variant.
Coding change: c.1375T>A on transcript NM_002979.5 (MANE Select); coding-DNA position 1375, T replaced by A.
Protein change: p.Phe459Ile; replaces phenylalanine 459 with isoleucine.
Molecular consequence: missense variant. On other transcripts: intron variant (1).
Genome position (GRCh38, 1-based): chr1:53,038,953, T>A. VCF-style: chr1-53038953-T-A. GRCh37 (hg19) VCF-style: chr1-53504625-T-A.
Other names: c.1375T>A (NM_002979.4); c.163T>A, p.Phe55Ile (NM_001007099.3); c.154T>A, p.Phe52Ile (NM_001007100.3); c.1303T>A, p.Phe435Ile (NM_001193599.2); c.1243T>A, p.Phe415Ile (NM_001193600.2); c.1132T>A, p.Phe378Ile (NM_001193617.2); c.127-8905T>A (NM_001007250.3); short protein forms F435I, F459I, F52I, F55I, F378I, F415I.
Identifiers: ClinVar variation 2139022 (VCV002139022.2), dbSNP rs1264753490, ClinGen allele CA340379242.

ClinVar aggregate classification (germline): Uncertain significance. Review status: criteria provided, multiple submitters, no conflicts (2 of 4 stars). 2 submissions from 2 submitters: Uncertain significance (2). Last evaluated 2025-08-10.

Allele frequency attached by ClinVar (database versions not stated): gnomAD exomes below 0.00001.
gnomAD v4.1: 5 of 1,614,128 alleles (0.00031%); highest among the groups gnomAD compares: South Asian, 0.0011%; no homozygotes.

Submissions (2):

Ambry Genetics
Classification: Uncertain significance. Last evaluated: 2025-08-10. Review status: criteria provided, single submitter. Criteria: Ambry Variant Classification Scheme 2023. Collection method: clinical testing. Allele origin: germline.

Labcorp Genetics (formerly Invitae), Labcorp
Classification: Uncertain significance. Last evaluated: 2022-08-02. Review status: criteria provided, single submitter. Criteria: Invitae Variant Classification Sherloc (09022015). Collection method: clinical testing. Allele origin: germline.
Comment: This sequence change replaces phenylalanine, which is neutral and non-polar, with isoleucine, which is neutral and non-polar, at codon 459 of the SCP2 protein (p.Phe459Ile). This variant is present in population databases (no rsID available, gnomAD 0.004%). This variant has not been reported in the literature in individuals affected with SCP2-related conditions. Algorithms developed to predict the effect of missense changes on protein structure and function are either unavailable or do not agree on the potential impact of this missense change (SIFT: "Deleterious"; PolyPhen-2: "Probably Damaging"; Align-GVGD: "Class C0"). In summary, the available evidence is currently insufficient to determine the role of this variant in disease. Therefore, it has been classified as a Variant of Uncertain Significance.